The following is an entry in ClinVar:

ClinVar aggregate classification (germline): Conflicting classifications of pathogenicity. Review status: criteria provided, conflicting classifications (1 of 4 stars). 4 submissions from 4 submitters: Uncertain significance (3); Likely benign (1). Last evaluated 2024-05-17.

Conditions:
Hereditary breast ovarian cancer syndrome. Also called: Hereditary breast and ovarian cancer; Hereditary breast and/or ovarian cancer syndrome; BRCA1- and BRCA2-Associated Hereditary Breast and Ovarian Cancer; Hereditary breast and ovarian cancer syndrome; Hereditary breast and ovarian cancer syndrome (HBOC); Breast and ovarian cancer. Identifiers: Orphanet 145, MedGen C0677776, MeSH D061325, MONDO:0003582. Disease mechanism: loss of function.
Hereditary cancer-predisposing syndrome. Also called: Tumor predisposition; Hereditary Cancer Syndrome; Hereditary neoplastic syndrome; Neoplastic Syndromes, Hereditary. Identifiers: Orphanet 140162, MedGen C0027672, MeSH D009386, MONDO:0015356.

Submissions (4):

Ambry Genetics
Classification: Uncertain significance for Hereditary cancer-predisposing syndrome. Last evaluated: 2024-05-17. Review status: criteria provided, single submitter. Criteria: Ambry Variant Classification Scheme 2023. Collection method: clinical testing. Allele origin: germline.
Comment: The p.Q1235R variant (also known as c.3704A>G), located in coding exon 10 of the BRCA2 gene, results from an A to G substitution at nucleotide position 3704. The glutamine at codon 1235 is replaced by arginine, an amino acid with highly similar properties. This amino acid position is not well conserved in available vertebrate species. In addition, the in silico prediction for this alteration is inconclusive. Since supporting evidence is limited at this time, the clinical significance of this alteration remains unclear.

Labcorp Genetics (formerly Invitae), Labcorp
Classification: Uncertain significance for Hereditary breast ovarian cancer syndrome. Last evaluated: 2024-03-20. Review status: criteria provided, single submitter. Criteria: Invitae Variant Classification Sherloc (09022015). Collection method: clinical testing. Allele origin: germline.
Comment: This sequence change replaces glutamine, which is neutral and polar, with arginine, which is basic and polar, at codon 1235 of the BRCA2 protein (p.Gln1235Arg). This variant is not present in population databases (gnomAD no frequency). This variant has not been reported in the literature in individuals affected with BRCA2-related conditions. ClinVar contains an entry for this variant (Variation ID: 409482). Advanced modeling of protein sequence and biophysical properties (such as structural, functional, and spatial information, amino acid conservation, physicochemical variation, residue mobility, and thermodynamic stability) performed at Invitae indicates that this missense variant is not expected to disrupt BRCA2 protein function with a negative predictive value of 95%. In summary, the available evidence is currently insufficient to determine the role of this variant in disease. Therefore, it has been classified as a Variant of Uncertain Significance.

University of Washington Department of Laboratory Medicine, University of Washington
Classification: Likely benign for Hereditary cancer-predisposing syndrome. Last evaluated: 2023-03-23. Review status: criteria provided, single submitter. Criteria: Dines et al. (Genet Med. 2020). Collection method: curation. Allele origin: germline.
Comment: Missense variant in a coldspot region where missense variants are very unlikely to be pathogenic (PMID:31911673).

BRCA2 exon 11 coldspot. Reclassification based on statistical prior probability.

Color Diagnostics, LLC DBA Color Health
Classification: Uncertain significance for Hereditary cancer-predisposing syndrome. Last evaluated: 2021-11-23. Review status: criteria provided, single submitter. Criteria: ACMG Guidelines, 2015. Collection method: clinical testing. Allele origin: germline.
Comment: This missense variant replaces glutamine with arginine at codon 1235 of the BRCA2 protein. Computational prediction suggests that this variant may not impact protein structure and function (internally defined REVEL score threshold <= 0.5, PMID: 27666373). To our knowledge, functional studies have not been reported for this variant. This variant has not been reported in individuals affected with hereditary cancer in the literature. This variant has not been identified in the general population by the Genome Aggregation Database (gnomAD). The available evidence is insufficient to determine the role of this variant in disease conclusively. Therefore, this variant is classified as a Variant of Uncertain Significance.

NM_000059.4(BRCA2):c.3704A>G (p.Gln1235Arg)

Gene: BRCA2 (BRCA2 DNA repair associated; plus strand). Cytogenetic location: 13q13.1.
Variant type: single nucleotide variant.
Coding change: c.3704A>G on transcript NM_000059.4 (MANE Select); coding-DNA position 3704, A replaced by G.
Protein change: p.Gln1235Arg; replaces glutamine 1235 with arginine.
Molecular consequence: missense variant.
Genome position (GRCh38, 1-based): chr13:32,338,059, A>G. VCF-style: chr13-32338059-A-G. GRCh37 (hg19) VCF-style: chr13-32912196-A-G.
Other names: short protein forms Q1235R.
Identifiers: ClinVar variation 409482 (VCV000409482.15), dbSNP rs1060502424, ClinGen allele CA16614294.
Genomic context (GRCh38, chr13:32,338,059, plus strand): 5'-GGTTTAGGGGCTTTTATTCTGCTCATGGCACAAAACTGAATGTTTCTACTGAAGCTCTGC[A>G]AAAAGCTGTGAAACTGTTTAGTGATATTGAGAATATTAGTGAGGAAACTTCTGCAGAGGT-3'
Protein context (NP_000050.3, residues 1225-1245): TKLNVSTEAL[Gln1235Arg]KAVKLFSDIE